The following is an entry in ClinVar:

NM_006648.4(WNK2):c.1763A>G (p.Glu588Gly)

Gene: WNK2 (WNK lysine deficient protein kinase 2; plus strand). Cytogenetic location: 9q22.31.
Variant type: single nucleotide variant.
Coding change: c.1763A>G on transcript NM_006648.4 (MANE Select); coding-DNA position 1763, A replaced by G.
Protein change: p.Glu588Gly; replaces glutamic acid 588 with glycine.
Molecular consequence: missense variant.
Genome position (GRCh38, 1-based): chr9:93,247,763, A>G. VCF-style: chr9-93247763-A-G. GRCh37 (hg19) VCF-style: chr9-96010045-A-G.
Other names: c.1763A>G, p.Glu588Gly (NM_001282394.3); short protein forms E588G.
Identifiers: ClinVar variation 4201585 (VCV004201585.1).
Genomic context (GRCh38, chr9:93,247,763, plus strand): 5'-CGGTGCCCCTGCAGGTCCAGGTGACCTACCATGCACAGGCTGGGCAGCCCGGGCCACCAG[A>G]GCCCGAGGAGCCGGAGGCCGACCAGCACCTCCTGCCACCTACGTTGCCGACCAGCGCCAC-3'
Protein context (NP_006639.3, residues 578-598): HAQAGQPGPP[Glu588Gly]PEEPEADQHL

ClinVar aggregate classification (germline): Uncertain significance (1 of 4 stars; one submission).

Submission:

Ambry Genetics
Classification: Uncertain significance. Last evaluated: 2025-07-03. Review status: criteria provided, single submitter. Criteria: Ambry Variant Classification Scheme 2023. Collection method: clinical testing. Allele origin: germline.
Comment: The p.E588G variant (also known as c.1763A>G), located in coding exon 7 of the WNK2 gene, results from an A to G substitution at nucleotide position 1763. The glutamic acid at codon 588 is replaced by glycine, an amino acid with similar properties. This amino acid position is conserved. In addition, the in silico prediction for this alteration is inconclusive. Based on the available evidence, the clinical significance of this variant remains unclear.